The following is an entry in ClinVar:

NM_003331.5(TYK2):c.1236G>A (p.Ala412=)

Gene: TYK2 (tyrosine kinase 2; minus strand). Cytogenetic location: 19p13.2.
Variant type: single nucleotide variant.
Coding change: c.1236G>A on transcript NM_003331.5 (MANE Select); coding-DNA position 1236, G replaced by A.
Protein change: p.Ala412=; no amino-acid change (alanine 412 retained).
Molecular consequence: synonymous variant.
Genome position (GRCh38, 1-based): chr19:10,364,745, C>T on the plus strand (G>A on the coding strand, the complement: TYK2 is on the minus strand). VCF-style: chr19-10364745-C-T. GRCh37 (hg19) VCF-style: chr19-10475421-C-T.
Identifiers: ClinVar variation 739904 (VCV000739904.35), dbSNP rs56212434, ClinGen allele CA9193485.

ClinVar aggregate classification (germline): Conflicting classifications of pathogenicity. Review status: criteria provided, conflicting classifications (1 of 4 stars). 2 submissions from 2 submitters: Uncertain significance (1); Likely benign (1). Last evaluated 2025-12-28.

Conditions:
Immunodeficiency 35 (IMD35). Also called: HIES WITH ATYPICAL MYCOBACTERIOSIS, AUTOSOMAL RECESSIVE; HYPER-IgE SYNDROME WITH ATYPICAL MYCOBACTERIOSIS, AUTOSOMAL RECESSIVE; TYK2 DEFICIENCY; Susceptibility to infection due to TYK2 deficiency. Identifiers: Orphanet 331226, MedGen C1969086, MONDO:0012682, OMIM 611521.

Allele frequency attached by ClinVar (database versions not stated): ESP Exome Variant Server 0.00008; ExAC 0.00012; gnomAD 0.00013 and 0.00015; gnomAD exomes 0.00013; TOPMed 0.00020.
gnomAD v4.1: 263 of 1,613,804 alleles (0.016%); highest among the groups gnomAD compares: Non-Finnish European, 0.021%; 1 homozygote.

Submissions (2):

Labcorp Genetics (formerly Invitae), Labcorp
Classification: Likely benign for Immunodeficiency 35. Last evaluated: 2025-12-28. Review status: criteria provided, single submitter. Criteria: Invitae Variant Classification Sherloc (09022015). Collection method: clinical testing. Allele origin: germline.

CeGaT Center for Human Genetics Tuebingen
Classification: Uncertain significance. Last evaluated: 2023-08-01. Review status: criteria provided, single submitter. Criteria: CeGaT Center For Human Genetics Tuebingen Variant Classification Criteria Version 2. Collection method: clinical testing. Allele origin: germline. Affected: yes. Observed: 1 variant allele.
Comment: TYK2: PM2:Supporting, PP3